The following is an entry in ClinVar:

NM_025114.4(CEP290):c.367C>T (p.Gln123Ter)

Gene: CEP290 (centrosomal protein 290; minus strand). Cytogenetic location: 12q21.32.
Variant type: single nucleotide variant.
Coding change: c.367C>T on transcript NM_025114.4 (MANE Select); coding-DNA position 367, C replaced by T.
Protein change: p.Gln123Ter; replaces glutamine 123 with a stop codon.
Molecular consequence: nonsense.
Genome position (GRCh38, 1-based): chr12:88,136,717, G>A on the plus strand (C>T on the coding strand, the complement: CEP290 is on the minus strand). VCF-style: chr12-88136717-G-A. GRCh37 (hg19) VCF-style: chr12-88530494-G-A.
Other names: short protein forms Q123*.
Identifiers: ClinVar variation 853824 (VCV000853824.20), dbSNP rs770126103, ClinGen allele CA6712821.

ClinVar aggregate classification (germline): Pathogenic. Review status: criteria provided, multiple submitters, no conflicts (2 of 4 stars). 9 submissions from 9 submitters: Pathogenic (9). Last evaluated 2026-06-04.

Conditions:
CEP290-related ciliopathy. Also called: CEP290 ciliopathy. Identifiers: MedGen CN305601, MONDO:0100451.
Leber congenital amaurosis (LCA). Also called: Leber's amaurosis. Identifiers: Orphanet 65, MedGen C0339527, MeSH D057130, MONDO:0018998.
Senior-Loken syndrome 6 (SLSN6). Identifiers: Orphanet 3156, MedGen C1857779, MONDO:0012433, OMIM 610189.
Bardet-Biedl syndrome 14 (BBS14). Identifiers: Orphanet 110, MedGen C2673874, MONDO:0014442, OMIM 615991.
Leber congenital amaurosis 10 (LCA10). Identifiers: Orphanet 65, MedGen C1857821, MONDO:0012723, OMIM 611755.
Meckel syndrome, type 4 (MKS4). Also called: MECKEL-GRUBER SYNDROME, TYPE 4. Identifiers: Orphanet 564, MedGen C1970161, MONDO:0012626, OMIM 611134.
Joubert syndrome 5 (JBTS5). Identifiers: Orphanet 2318, MedGen C1857780, MONDO:0012432, OMIM 610188.
CEP290-related disorder. Also called: CEP290-related disorders; CEP290-related condition. Identifiers: MedGen CN239314.
Joubert syndrome. Also called: Familial aplasia of the vermis; JOUBERT-BOLTSHAUSER SYNDROME. Identifiers: Orphanet 475, MedGen C5979921, MONDO:0018772.
Meckel-Gruber syndrome. Also called: DYSENCEPHALIA SPLANCHNOCYSTICA; GRUBER SYNDROME; Dysencephalia splachnocystica. Identifiers: Orphanet 564, MedGen C0265215, MONDO:0018921.
Nephronophthisis. Also called: Juvenile Nephronophthisis. Identifiers: Orphanet 655, MedGen C0687120, MONDO:0019005, HP:0000090.
Inborn genetic diseases. Identifiers: MedGen C0950123, MeSH D030342.

Allele frequency attached by ClinVar (database versions not stated): ExAC 0.00002; gnomAD exomes 0.00002 and below 0.00001; TOPMed 0.00001.

Submissions (9):

Myriad Genetics, Inc.
Classification: Pathogenic for CEP290-related ciliopathy. Last evaluated: 2026-06-04. Review status: criteria provided, single submitter. Criteria: Myriad Autosomal Dominant, Autosomal Recessive and X-Linked Classification Criteria (2023). Collection method: clinical testing. Allele origin: unknown.
Comment: NM_025114.3(CEP290):c.367C>T(Q123*) is expected to be pathogenic in the context of CEP290-related disorders. This variant is predicted to lead to an abnormal or absent protein product due to the creation of a premature termination codon in CEP290, a gene where loss-of-function variants are known to be pathogenic. Please note: this variant was assessed in the context of healthy population screening.

Ambry Genetics
Classification: Pathogenic for Inborn genetic diseases. Last evaluated: 2025-05-27. Review status: criteria provided, single submitter. Criteria: Ambry Variant Classification Scheme 2023. Collection method: clinical testing. Allele origin: germline.
Comment: The c.367C>T (p.Q123*) alteration, located in exon 6 (coding exon 5) of the CEP290 gene, consists of a C to T substitution at nucleotide position 367. This changes the amino acid from a glutamine (Q) to a stop codon at amino acid position 123. This alteration is expected to result in loss of function by premature protein truncation or nonsense-mediated mRNA decay. Based on data from gnomAD, the T allele has an overall frequency of 0.002% (4/249030) total alleles studied. The highest observed frequency was 0.022% (4/17970) of East Asian alleles. This variant has been identified in the homozygous state and/or in conjunction with other CEP290 variant(s) in individual(s) with features consistent with Leber congenital amaurosis; in at least one instance, the variants were identified in trans (Heutinck, 2024; Jinda, 2017; Wang, 2015). Based on the available evidence, this alteration is classified as pathogenic.

Natera, Inc.
Classification: Pathogenic for Leber congenital amaurosis. Last evaluated: 2025-04-21. Review status: criteria provided, single submitter. Criteria: Natera Variant Classification Schema (03/2026). Collection method: clinical testing. Allele origin: germline.
Comment: The c.367C>T variant in CEP290 is a nonsense variant predicted to introduce a stop codon at amino acid 123. This variant is expected to result in nonsense mediated decay, truncation, or a dysfunctional protein product. This variant is rare in the general population with a frequency below the threshold expected for the associated phenotype(s). This variant has been observed in one or more individuals affected with the associated recessive disease, as either homozygous or compound heterozygous with a second variant (PMID: 28453600). Given the available evidence, this variant is classified as Pathogenic.

Labcorp Genetics (formerly Invitae), Labcorp
Classification: Pathogenic for Joubert syndrome; Meckel-Gruber syndrome; Nephronophthisis. Last evaluated: 2025-03-06. Review status: criteria provided, single submitter. Criteria: Invitae Variant Classification Sherloc (09022015). Collection method: clinical testing. Allele origin: germline.
Comment: This sequence change creates a premature translational stop signal (p.Gln123*) in the CEP290 gene. It is expected to result in an absent or disrupted protein product. Loss-of-function variants in CEP290 are known to be pathogenic (PMID: 16909394, 17345604, 20690115). This variant is present in population databases (rs770126103, gnomAD 0.02%). This premature translational stop signal has been observed in individual(s) with Leber congenital amaurosis (PMID: 21602930, 28453600). ClinVar contains an entry for this variant (Variation ID: 853824). Algorithms developed to predict the effect of sequence changes on RNA splicing suggest that this variant may disrupt the consensus splice site. For these reasons, this variant has been classified as Pathogenic.

Baylor Genetics
Classification: Pathogenic for Bardet-Biedl syndrome 14. Last evaluated: 2024-03-12. Review status: criteria provided, single submitter. Criteria: ACMG Guidelines, 2015. Collection method: clinical testing. Allele origin: unknown.

Blueprint Genetics
Classification: Pathogenic for CEP290-related disorders. Last evaluated: 2023-12-15. Review status: criteria provided, single submitter. Criteria: ACMG Guidelines, 2015. Collection method: clinical testing. Allele origin: germline. Affected: yes. Observed: 3 variant alleles.

3billion
Classification: Pathogenic for Joubert syndrome 5. Last evaluated: 2023-11-01. Review status: criteria provided, single submitter. Criteria: ACMG Guidelines, 2015. Collection method: clinical testing. Allele origin: germline. Affected: yes.
Comment: The variant is observed at an extremely low frequency in the gnomAD v2.1.1 dataset (total allele frequency: 0.002%). Predicted Consequence/Location: Stop-gained (nonsense): predicted to result in a loss or disruption of normal protein function through nonsense-mediated decay (NMD) or protein truncation. Multiple pathogenic variants are reported downstream of the variant. Damaging effect on gene or gene product predicted by in silico programs is uncertain. The variant has been reported at least twice as pathogenic without evidence for the classification (ClinVar ID: VCV000853824 /PMID: 21602930 /3billion dataset). Therefore, this variant is classified as Pathogenic according to the recommendation of ACMG/AMP guideline.

Fulgent Genetics
Classification: Pathogenic for Joubert syndrome 5; Senior-Loken syndrome 6; Meckel syndrome, type 4; Leber congenital amaurosis 10; Bardet-Biedl syndrome 14. Last evaluated: 2022-04-08. Review status: criteria provided, single submitter. Criteria: ACMG Guidelines, 2015. Collection method: clinical testing. Allele origin: unknown.

Pangenia Genomics, Pangenia Inc.
Classification: Pathogenic for CEP290-related disorder. Last evaluated: 2021-11-18. Review status: criteria provided, single submitter. Criteria: ACMG Guidelines, 2015. Collection method: research. Allele origin: unknown. Inheritance: Autosomal recessive inheritance. Affected: yes. Observed: 1 heterozygote.
Comment: The CEP290, c.367C>T (p.Gln123*) variant creates a premature translational stop signal in the CEP290 gene, expected to result in an absent or disrupted protein product. Loss-of-function variants in the CEP290 gene are known to be disease-causing [PMID: 16909394, 17345604, 20690115]. This variant is detected together with another pathogenic variant [CEP290, c.5726T>G (p.Leu1909*)]. This variant is at extremely low frequency in population database; allele frequency in East Asia population is 0.0002 by gnomAD v2.1.1. This variant has been observed in individuals affected by Leber Congenital Amaurosis (LCA), together with another variant in the CEP290 gene [PMID: 27375279, 26047050, 28453600, 21602930]. In at least two individuals, the two variants were determined to be in trans [PMID: 26047050, 28453600]. There are multiple submissions of this variant in ClinVar (Variation ID: 853824), rated as Pathogenic.

Literature cited by the submitters: PubMed 26047050 (cited by Ambry Genetics); PubMed 28453600 (cited by 3 submitters); PubMed 39189993 (cited by Ambry Genetics); PubMed 16909394 (cited by Labcorp Genetics (formerly Invitae), Labcorp); PubMed 17345604 (cited by Labcorp Genetics (formerly Invitae), Labcorp); PubMed 20690115 (cited by Labcorp Genetics (formerly Invitae), Labcorp); PubMed 21602930 (cited by Labcorp Genetics (formerly Invitae), Labcorp and 3billion).